The following is an entry in ClinVar:

NM_001278116.2(L1CAM):c.1595G>T (p.Gly532Val)

Gene: L1CAM (L1 cell adhesion molecule; minus strand). Cytogenetic location: Xq28.
Variant type: single nucleotide variant.
Coding change: c.1595G>T on transcript NM_001278116.2 (MANE Select); coding-DNA position 1595, G replaced by T.
Protein change: p.Gly532Val; replaces glycine 532 with valine.
Molecular consequence: missense variant.
Genome position (GRCh38, 1-based): chrX:153,868,410, C>A on the plus strand (G>T on the coding strand, the complement: L1CAM is on the minus strand). VCF-style: chrX-153868410-C-A. GRCh37 (hg19) VCF-style: chrX-153133865-C-A.
Other names: c.1595G>T, p.Gly532Val (NM_000425.5, NM_024003.3); c.1580G>T, p.Gly527Val (NM_001143963.2); short protein forms G527V, G532V.
Identifiers: ClinVar variation 3636364 (VCV003636364.2).

ClinVar aggregate classification (germline): Uncertain significance (1 of 4 stars; one submission).

Conditions:
Spastic paraplegia. Identifiers: MedGen C0037772, HP:0001258.

Submission:

Labcorp Genetics (formerly Invitae), Labcorp
Classification: Uncertain significance for Spastic paraplegia. Last evaluated: 2024-08-15. Review status: criteria provided, single submitter. Criteria: Invitae Variant Classification Sherloc (09022015). Collection method: clinical testing. Allele origin: germline.
Comment: This sequence change replaces glycine, which is neutral and non-polar, with valine, which is neutral and non-polar, at codon 532 of the L1CAM protein (p.Gly532Val). This variant is not present in population databases (gnomAD no frequency). This variant has not been reported in the literature in individuals affected with L1CAM-related conditions. Invitae Evidence Modeling of protein sequence and biophysical properties (such as structural, functional, and spatial information, amino acid conservation, physicochemical variation, residue mobility, and thermodynamic stability) has been performed for this missense variant. However, the output from this modeling did not meet the statistical confidence thresholds required to predict the impact of this variant on L1CAM protein function. In summary, the available evidence is currently insufficient to determine the role of this variant in disease. Therefore, it has been classified as a Variant of Uncertain Significance.